The following is an entry in ClinVar:

NM_001005361.3(DNM2):c.1134G>A (p.Glu378=)

Gene: DNM2 (dynamin 2; plus strand). Cytogenetic location: 19p13.2.
Variant type: single nucleotide variant.
Coding change: c.1134G>A on transcript NM_001005361.3 (MANE Select); coding-DNA position 1134, G replaced by A.
Protein change: p.Glu378=; no amino-acid change (glutamic acid 378 retained).
Molecular consequence: synonymous variant.
Genome position (GRCh38, 1-based): chr19:10,795,377, G>A. VCF-style: chr19-10795377-G-A. GRCh37 (hg19) VCF-style: chr19-10906053-G-A.
Other names: c.1134G>A, p.Glu378= (NM_001005360.3, NM_001005362.3, NM_001190716.2 and 1 more transcripts).
Identifiers: ClinVar variation 2649302 (VCV002649302.24), dbSNP rs1223342362, ClinGen allele CA505496032.

ClinVar aggregate classification (germline): Likely benign (1 of 4 stars; one submission).

Submission:

CeGaT Center for Human Genetics Tuebingen
Classification: Likely benign. Last evaluated: 2023-04-01. Review status: criteria provided, single submitter. Criteria: CeGaT Center For Human Genetics Tuebingen Variant Classification Criteria Version 2. Collection method: clinical testing. Allele origin: germline. Affected: yes. Observed: 1 variant allele.
Comment: DNM2: PM2:Supporting, BP4, BP7